The following is an entry in ClinVar:

ClinVar aggregate classification (germline): Likely benign. Review status: criteria provided, multiple submitters, no conflicts (2 of 4 stars). 6 submissions from 6 submitters: Likely benign (6). Last evaluated 2026-01-01.

Conditions:
Familial thoracic aortic aneurysm and aortic dissection (TAAD). Also called: Thoracic aortic aneurysms and dissections. Identifiers: Orphanet 91387, MedGen C4707243, MONDO:0019625.
Aortic aneurysm, familial thoracic 4 (AAT4). Also called: AORTIC ANEURYSM/AORTIC DISSECTION AND PATENT DUCTUS ARTERIOSUS. Identifiers: MedGen C1851504, MONDO:0007568, OMIM 132900.

Allele frequency attached by ClinVar (database versions not stated): ExAC 0.00004; gnomAD 0.00007 and 0.00009; ESP Exome Variant Server 0.00008; gnomAD exomes 0.00008; TOPMed 0.00010; 1000 Genomes Project 30x 0.00031; 1000 Genomes Project 0.00040.
gnomAD v4.1: 221 of 1,614,110 alleles (0.014%); highest among the groups gnomAD compares: Middle Eastern, 0.016%; no homozygotes.

Submissions (6):

Labcorp Genetics (formerly Invitae), Labcorp
Classification: Likely benign for Aortic aneurysm, familial thoracic 4. Last evaluated: 2026-01-01. Review status: criteria provided, single submitter. Criteria: Invitae Variant Classification Sherloc (09022015). Collection method: clinical testing. Allele origin: germline.

CeGaT Center for Human Genetics Tuebingen
Classification: Likely benign. Last evaluated: 2024-11-01. Review status: criteria provided, single submitter. Criteria: CeGaT Center For Human Genetics Tuebingen Variant Classification Criteria Version 2. Collection method: clinical testing. Allele origin: germline. Affected: yes. Observed: 2 variant alleles.
Comment: MYH11: BP4, BP7

All of Us Research Program, National Institutes of Health
Classification: Likely benign for Familial thoracic aortic aneurysm and aortic dissection. Last evaluated: 2024-01-08. Review status: criteria provided, single submitter. Criteria: ACMG Guidelines, 2015. Collection method: clinical testing. Allele origin: germline. Inheritance: Autosomal dominant inheritance. Observed: 12 variant alleles, 12 heterozygotes.
Comment: This study involves interpretation of variants in research participants for the purpose of population health screening. Participant phenotype was not available at the time of variant classification. Additional details can be found in publication PMID: 35346344, PMCID: PMC8962531

Ambry Genetics
Classification: Likely benign for Familial thoracic aortic aneurysm and aortic dissection. Last evaluated: 2021-12-02. Review status: criteria provided, single submitter. Criteria: Ambry Variant Classification Scheme 2023. Collection method: clinical testing. Allele origin: germline.

GeneDx
Classification: Likely benign. Last evaluated: 2019-10-24. Review status: criteria provided, single submitter. Criteria: GeneDx Variant Classification Process June 2021. Collection method: clinical testing. Allele origin: germline. Affected: yes.

Color Diagnostics, LLC DBA Color Health
Classification: Likely benign for Familial thoracic aortic aneurysm and aortic dissection. Last evaluated: 2018-11-18. Review status: criteria provided, single submitter. Criteria: ACMG Guidelines, 2015. Collection method: clinical testing. Allele origin: germline.

NM_002474.3(MYH11):c.3927C>T (p.Asp1309=)

Genes: MYH11 (myosin heavy chain 11; minus strand), NDE1 (nudE neurodevelopment protein 1; plus strand). Cytogenetic location: 16p13.11.
Variant type: single nucleotide variant.
Coding change: c.3927C>T on transcript NM_002474.3 (MANE Select); coding-DNA position 3927, C replaced by T.
Protein change: p.Asp1309=; no amino-acid change (aspartic acid 1309 retained).
Molecular consequence: synonymous variant. On other transcripts: 3 prime UTR variant (2).
Genome position (GRCh38, 1-based): chr16:15,724,924, G>A on the plus strand (C>T on the coding strand, the complement: MYH11 is on the minus strand). VCF-style: chr16-15724924-G-A. GRCh37 (hg19) VCF-style: chr16-15818781-G-A.
Other names: c.3948C>T, p.Asp1316= (NM_001040113.2, NM_001040114.2); c.3927C>T, p.Asp1309= (NM_022844.3); c.*673G>A (NM_001143979.2, NM_017668.3).
Identifiers: ClinVar variation 378205 (VCV000378205.33), dbSNP rs150712107, ClinGen allele CA7921836.
Genomic context (GRCh38, chr16:15,724,924, plus strand): 5'-TGGATGATGTGGCAGGACACTCACCTGGGTGTCCTGGAGCTGGGAACTGAGGGACGCCAC[G>A]TCCTTGGCCAGCTTAATGGCCTTCCCCTCGGCCTCGTTAAGCATCCCTGTGACGCTCTCA-3'
Protein context (NP_002465.1, residues 1299-1319): AEGKAIKLAK[Asp1309=]VASLSSQLQD